The following is an entry in ClinVar:

ClinVar aggregate classification (germline): Benign (1 of 4 stars; one submission).

Conditions:
Ulnar-mammary syndrome (UMS). Also called: PALLISTER ULNAR-MAMMARY SYNDROME; SCHINZEL SYNDROME; Ulnar-mammary syndrome of Pallister. Identifiers: Orphanet 3138, MedGen C1866994, MONDO:0008411, OMIM 181450.

Allele frequency attached by ClinVar (database versions not stated): gnomAD 0.00001 and 0.00011; gnomAD exomes 0.00001; TOPMed 0.00001; 1000 Genomes Project 30x 0.00078; 1000 Genomes Project 0.00100.
gnomAD v4.1: 17 of 227,644 alleles (0.0075%); highest among the groups gnomAD compares: South Asian, 0.3%; no homozygotes.

Submission:

Illumina Laboratory Services, Illumina
Classification: Benign for Ulnar-mammary syndrome. Last evaluated: 2018-01-12. Review status: criteria provided, single submitter. Criteria: ICSL Variant Classification Criteria 13 December 2019. Collection method: clinical testing. Allele origin: germline.
Comment: This variant was observed in the ICSL laboratory as part of a predisposition screen in an ostensibly healthy population. It had not been previously curated by ICSL or reported in the Human Gene Mutation Database (HGMD: prior to June 1st, 2018), and was therefore a candidate for classification through an automated scoring system. Utilizing variant allele frequency, disease prevalence and penetrance estimates, and inheritance mode, an automated score was calculated to assess if this variant is too frequent to cause the disease. Based on the score and internal cut-off values, a variant classified as benign is not then subjected to further curation. The score for this variant resulted in a classification of benign for this disease.

NM_005996.4(TBX3):c.-909C>T

Genes: TBX3 (T-box transcription factor 3; minus strand), TBX3-AS1 (TBX3 antisense RNA 1; plus strand). Cytogenetic location: 12q24.21.
Variant type: single nucleotide variant.
Coding change: c.-909C>T on transcript NM_005996.4 (MANE Select); 909 bases upstream of the start codon, C replaced by T.
Molecular consequence: 5 prime UTR variant.
Genome position (GRCh38, 1-based): chr12:114,684,109, G>A on the plus strand (C>T on the coding strand, the complement: TBX3 is on the minus strand). VCF-style: chr12-114684109-G-A. GRCh37 (hg19) VCF-style: chr12-115121914-G-A.
Other names: c.-909C>T (NM_016569.4).
Identifiers: ClinVar variation 881959 (VCV000881959.4), dbSNP rs527781972, ClinGen allele CA244156236.